The following is an entry in ClinVar:

ClinVar aggregate classification (germline): Pathogenic (1 of 4 stars; one submission).

Conditions:
Infantile neuroaxonal dystrophy (NBIA2A). Also called: NEURODEGENERATION WITH BRAIN IRON ACCUMULATION 2A; SEITELBERGER DISEASE; Infantile neuroaxonal dystrophy 1. Identifiers: Orphanet 35069, MedGen C0270724, MONDO:0024457, OMIM 256600.

Submission:

Labcorp Genetics (formerly Invitae), Labcorp
Classification: Pathogenic for Infantile neuroaxonal dystrophy. Last evaluated: 2024-01-25. Review status: criteria provided, single submitter. Criteria: Invitae Variant Classification Sherloc (09022015). Collection method: clinical testing. Allele origin: germline.
Comment: This sequence change creates a premature translational stop signal (p.Arg612Serfs*7) in the PLA2G6 gene. It is expected to result in an absent or disrupted protein product. Loss-of-function variants in PLA2G6 are known to be pathogenic (PMID: 16783378, 18570303, 18799783, 22213678). This variant is not present in population databases (gnomAD no frequency). This variant has not been reported in the literature in individuals affected with PLA2G6-related conditions. For these reasons, this variant has been classified as Pathogenic.

Literature cited by the submitters: PubMed 16783378; PubMed 18570303; PubMed 18799783; PubMed 22213678.

NM_003560.4(PLA2G6):c.1833dup (p.Arg612fs)

Gene: PLA2G6 (phospholipase A2 group VI; minus strand). Cytogenetic location: 22q13.1.
Variant type: Duplication.
Coding change: c.1833dup on transcript NM_003560.4 (MANE Select); coding-DNA position 1833, one base duplicated (T; older notation c.1833dupT).
Protein change: p.Arg612fs; shifts the reading frame from arginine 612.
Molecular consequence: frameshift variant.
Genome position (GRCh38, 1-based): chr22:38,116,121, A duplicated on the plus strand (T on the coding strand, the reverse complement: PLA2G6 is on the minus strand). VCF-style (leftmost placement, unchanged base first): chr22-38116120-G-GA. GRCh37 (hg19) VCF-style: chr22-38512127-G-GA.
Other names: c.1671dup, p.Arg558fs (NM_001004426.3, NM_001199562.3, NM_001349865.2 and 1 more transcripts); c.1833dup, p.Arg612fs (NM_001349864.2); c.1299dup, p.Arg434fs (NM_001349867.2); c.1155dup, p.Arg386fs (NM_001349868.2); c.1137dup, p.Arg380fs (NM_001349869.2); short protein forms R386fs, R558fs, R434fs, R380fs, R612fs.
Identifiers: ClinVar variation 2711293 (VCV002711293.3), dbSNP rs2517930638, ClinGen allele CA2697552759.
Genomic context (GRCh38, chr22:38,116,120, plus strand): 5'-AAACATGGTTTAAACCTGAGGGCTGAGCTGGAGGCCTGAGGTTAACGTTCTGGTTGAAAC[G>GA]AGGCTCCCGGACAGTTTCTGGAGCATCGTAGTTCCGGAAGAGGTGGAGTTCAGCCGGCTG-3'